The following is an entry in ClinVar:

ClinVar aggregate classification (germline): Uncertain significance (1 of 4 stars; one submission).

Conditions:
MC4R-related disorder. Also called: MC4R-related condition.

Submission:

PreventionGenetics, part of Exact Sciences
Classification: Uncertain significance for MC4R-related condition. Last evaluated: 2025-04-03. Review status: criteria provided, single submitter. Criteria: ACMG Guidelines, 2015. Collection method: clinical testing. Allele origin: germline.
Comment: The MC4R c.183G>C variant is predicted to result in the amino acid substitution p.Glu61Asp. To our knowledge, this variant has not been reported in the literature or in a large population database (gnomAD), indicating this variant is rare. A different pathogenic missense variant affecting this residue has been reported in at least two individuals with severe early-onset obesity (p.Glu61Lys; Ahituv et al. 2007. PubMed ID: 17357083; Calton et al. 2009. PubMed ID: 19091795). At this time, the clinical significance of the c.183G>C variant is uncertain due to the absence of conclusive functional and genetic evidence.

NM_005912.3(MC4R):c.183G>C (p.Glu61Asp)

Gene: MC4R (melanocortin 4 receptor; minus strand). Cytogenetic location: 18q21.32.
Variant type: single nucleotide variant.
Coding change: c.183G>C on transcript NM_005912.3 (MANE Select); coding-DNA position 183, G replaced by C.
Protein change: p.Glu61Asp; replaces glutamic acid 61 with aspartic acid.
Molecular consequence: missense variant.
Genome position (GRCh38, 1-based): chr18:60,372,167, C>G on the plus strand (G>C on the coding strand, the complement: MC4R is on the minus strand). VCF-style: chr18-60372167-C-G. GRCh37 (hg19) VCF-style: chr18-58039400-C-G.
Other names: short protein forms E61D.
Identifiers: ClinVar variation 5002613 (VCV005002613.1).